The following is an entry in ClinVar:

NM_000293.3(PHKB):c.2471A>T (p.Asn824Ile)

Gene: PHKB (phosphorylase kinase regulatory subunit beta; plus strand). Cytogenetic location: 16q12.1.
Variant type: single nucleotide variant.
Coding change: c.2471A>T on transcript NM_000293.3 (MANE Select); coding-DNA position 2471, A replaced by T.
Protein change: p.Asn824Ile; replaces asparagine 824 with isoleucine.
Molecular consequence: missense variant.
Genome position (GRCh38, 1-based): chr16:47,669,258, A>T. VCF-style: chr16-47669258-A-T. GRCh37 (hg19) VCF-style: chr16-47703169-A-T.
Other names: c.2450A>T, p.Asn817Ile (NM_001031835.3); c.2471A>T, p.Asn824Ile (NM_001363837.1); short protein forms N824I, N817I.
Identifiers: ClinVar variation 1994510 (VCV001994510.4), dbSNP rs2506638040, ClinGen allele CA395790777.

ClinVar aggregate classification (germline): Uncertain significance (1 of 4 stars; one submission).

Conditions:
Glycogen storage disease IXb (GSD9B). Also called: PHOSPHORYLASE KINASE DEFICIENCY OF LIVER AND MUSCLE, AUTOSOMAL RECESSIVE; GLYCOGENOSIS OF LIVER AND MUSCLE, AUTOSOMAL RECESSIVE; GSD IXb. Identifiers: Orphanet 79240, MedGen C0543514, MONDO:0009868, OMIM 261750.

Submission:

Labcorp Genetics (formerly Invitae), Labcorp
Classification: Uncertain significance for Glycogen storage disease IXb. Last evaluated: 2022-05-25. Review status: criteria provided, single submitter. Criteria: Invitae Variant Classification Sherloc (09022015). Collection method: clinical testing. Allele origin: germline.
Comment: In summary, the available evidence is currently insufficient to determine the role of this variant in disease. Therefore, it has been classified as a Variant of Uncertain Significance. Algorithms developed to predict the effect of missense changes on protein structure and function are either unavailable or do not agree on the potential impact of this missense change (SIFT: "Deleterious"; PolyPhen-2: "Probably Damaging"; Align-GVGD: "Class C15"). This variant has not been reported in the literature in individuals affected with PHKB-related conditions. This variant is not present in population databases (gnomAD no frequency). This sequence change replaces asparagine, which is neutral and polar, with isoleucine, which is neutral and non-polar, at codon 824 of the PHKB protein (p.Asn824Ile).